The following is an entry in ClinVar:

NM_001145026.2(PTPRQ):c.3661G>A (p.Ala1221Thr)

Gene: PTPRQ (protein tyrosine phosphatase receptor type Q; plus strand). Cytogenetic location: 12q21.31.
Variant type: single nucleotide variant.
Coding change: c.3661G>A on transcript NM_001145026.2 (MANE Select); coding-DNA position 3661, G replaced by A.
Protein change: p.Ala1221Thr; replaces alanine 1221 with threonine.
Molecular consequence: missense variant.
Genome position (GRCh38, 1-based): chr12:80,542,304, G>A. VCF-style: chr12-80542304-G-A. GRCh37 (hg19) VCF-style: chr12-80936083-G-A.
Other names: short protein forms A1221T.
Identifiers: ClinVar variation 4975085 (VCV004975085.2).

ClinVar aggregate classification (germline): Uncertain significance. Review status: criteria provided, multiple submitters, no conflicts (2 of 4 stars). 2 submissions from 2 submitters: Uncertain significance (2). Last evaluated 2026-03-06.

Conditions:
PTPRQ-related disorder. Also called: PTPRQ-related condition.

gnomAD v4.1: 23 of 1,548,828 alleles (0.0015%); highest among the groups gnomAD compares: South Asian, 0.0084%; no homozygotes.

Submissions (2):

GeneDx
Classification: Uncertain significance. Last evaluated: 2026-03-06. Review status: criteria provided, single submitter. Criteria: GeneDx Variant Classification Process June 2021. Collection method: clinical testing. Allele origin: germline.
Comment: Not observed at significant frequency in large population cohorts (gnomAD); In silico analysis supports that this missense variant has a deleterious effect on protein structure/function; Has not been previously published as pathogenic or benign to our knowledge

PreventionGenetics, part of Exact Sciences
Classification: Uncertain significance for PTPRQ-related condition. Last evaluated: 2025-05-12. Review status: criteria provided, single submitter. Criteria: ACMG Guidelines, 2015. Collection method: clinical testing. Allele origin: germline.
Comment: The PTPRQ c.3661G>A variant is predicted to result in the amino acid substitution p.Ala1221Thr. To our knowledge, this variant has not been reported in the literature. This variant is reported in 0.0045% of alleles in individuals of South Asian descent in gnomAD. At this time, the clinical significance of this variant is uncertain due to the absence of conclusive functional and genetic evidence.